The following is an entry in ClinVar:

NM_014633.5(CTR9):c.1061G>A (p.Arg354Gln)

Gene: CTR9 (CTR9 component of Paf1/RNA polymerase II complex; plus strand). Cytogenetic location: 11p15.4.
Variant type: single nucleotide variant.
Coding change: c.1061G>A on transcript NM_014633.5 (MANE Select); coding-DNA position 1061, G replaced by A.
Protein change: p.Arg354Gln; replaces arginine 354 with glutamine.
Molecular consequence: missense variant.
Genome position (GRCh38, 1-based): chr11:10,763,746, G>A. VCF-style: chr11-10763746-G-A. GRCh37 (hg19) VCF-style: chr11-10785293-G-A.
Other names: c.1061G>A, p.Arg354Gln (NM_001346279.2); short protein forms R354Q.
Identifiers: ClinVar variation 2900012 (VCV002900012.3), dbSNP rs112593026, ClinGen allele CA217707956.

ClinVar aggregate classification (germline): Uncertain significance (1 of 4 stars; one submission).

Allele frequency attached by ClinVar (database versions not stated): gnomAD 0.00001; TOPMed 0.00001.
gnomAD v4.1: 1 of 1,613,584 alleles (0.000062%); highest among the groups gnomAD compares: African/African-American, 0.0013%; no homozygotes.

Submission:

Labcorp Genetics (formerly Invitae), Labcorp
Classification: Uncertain significance. Last evaluated: 2023-04-07. Review status: criteria provided, single submitter. Criteria: Invitae Variant Classification Sherloc (09022015). Collection method: clinical testing. Allele origin: germline.
Comment: This sequence change replaces arginine, which is basic and polar, with glutamine, which is neutral and polar, at codon 354 of the CTR9 protein (p.Arg354Gln). This variant is present in population databases (rs112593026, gnomAD 0.01%). This variant has not been reported in the literature in individuals affected with CTR9-related conditions. An algorithm developed to predict the effect of missense changes on protein structure and function (PolyPhen-2) suggests that this variant is likely to be disruptive. In summary, the available evidence is currently insufficient to determine the role of this variant in disease. Therefore, it has been classified as a Variant of Uncertain Significance.